The following is an entry in ClinVar:

NM_015272.5(RPGRIP1L):c.2622T>C (p.Asn874=)

Gene: RPGRIP1L (RPGRIP1 like; minus strand). Cytogenetic location: 16q12.2.
Variant type: single nucleotide variant.
Coding change: c.2622T>C on transcript NM_015272.5 (MANE Select); coding-DNA position 2622, T replaced by C.
Protein change: p.Asn874=; no amino-acid change (asparagine 874 retained).
Molecular consequence: synonymous variant.
Genome position (GRCh38, 1-based): chr16:53,645,686, A>G on the plus strand (T>C on the coding strand, the complement: RPGRIP1L is on the minus strand). VCF-style: chr16-53645686-A-G. GRCh37 (hg19) VCF-style: chr16-53679598-A-G.
Other names: c.2622T>C, p.Asn874= (NM_001127897.4, NM_001308334.3, NM_001330538.2).
Identifiers: ClinVar variation 3348843 (VCV003348843.2).

ClinVar aggregate classification (germline): Conflicting classifications of pathogenicity. Review status: no assertion criteria provided (0 of 4 stars). 2 submissions from 2 submitters: Uncertain significance (1); Likely benign (1). Last evaluated 2025-04-12.

Conditions:
Joubert syndrome. Also called: JOUBERT-BOLTSHAUSER SYNDROME; Familial aplasia of the vermis. Identifiers: Orphanet 475, MedGen C5979921, MONDO:0018772.
RPGRIP1L-related disorder. Also called: RPGRIP1L-related condition; RPGRIP1L-related disorders. Identifiers: MedGen CN239416.

Submissions (2):

Natera, Inc.
Classification: Uncertain significance for Joubert syndrome. Last evaluated: 2025-04-12. Review status: no assertion criteria provided. Collection method: clinical testing. Allele origin: germline.

PreventionGenetics, part of Exact Sciences
Classification: Likely benign for RPGRIP1L-related condition. Last evaluated: 2024-01-31. Review status: no assertion criteria provided. Collection method: clinical testing. Allele origin: germline.
Comment: This variant is classified as likely benign based on ACMG/AMP sequence variant interpretation guidelines (Richards et al. 2015 PMID: 25741868, with internal and published modifications).